The following is an entry in ClinVar:

NM_016026.4(RDH11):c.20C>T (p.Pro7Leu)

Genes: GPHN (gephyrin; plus strand), RDH11 (retinol dehydrogenase 11; minus strand). Cytogenetic location: 14q24.1.
Variant type: single nucleotide variant.
Coding change: c.20C>T on transcript NM_016026.4 (MANE Select); coding-DNA position 20, C replaced by T.
Protein change: p.Pro7Leu; replaces proline 7 with leucine.
Molecular consequence: missense variant.
Genome position (GRCh38, 1-based): chr14:67,695,684, G>A on the plus strand (C>T on the coding strand, the complement: RDH11 is on the minus strand). VCF-style: chr14-67695684-G-A. GRCh37 (hg19) VCF-style: chr14-68162401-G-A.
Other names: c.20C>T, p.Pro7Leu (NM_001252650.2); short protein forms P7L.
Identifiers: ClinVar variation 2009927 (VCV002009927.4), dbSNP rs1230953475, ClinGen allele CA390139151.

ClinVar aggregate classification (germline): Uncertain significance (1 of 4 stars; one submission).

Allele frequency attached by ClinVar (database versions not stated): gnomAD exomes below 0.00001.
gnomAD v4.1: 1 of 1,614,178 alleles (0.000062%); highest among the groups gnomAD compares: African/African-American, 0.0013%; no homozygotes.

Submission:

Labcorp Genetics (formerly Invitae), Labcorp
Classification: Uncertain significance. Last evaluated: 2022-07-02. Review status: criteria provided, single submitter. Criteria: Invitae Variant Classification Sherloc (09022015). Collection method: clinical testing. Allele origin: germline.
Comment: In summary, the available evidence is currently insufficient to determine the role of this variant in disease. Therefore, it has been classified as a Variant of Uncertain Significance. This sequence change replaces proline, which is neutral and non-polar, with leucine, which is neutral and non-polar, at codon 7 of the RDH11 protein (p.Pro7Leu). This variant is present in population databases (no rsID available, gnomAD 0.007%). This variant has not been reported in the literature in individuals affected with RDH11-related conditions. Algorithms developed to predict the effect of missense changes on protein structure and function output the following: SIFT: "Tolerated"; PolyPhen-2: "Possibly Damaging"; Align-GVGD: "Class C0". The leucine amino acid residue is found in multiple mammalian species, which suggests that this missense change does not adversely affect protein function.